The following is an entry in ClinVar:

ClinVar aggregate classification (germline): Likely benign (0 of 4 stars; one submission).

Conditions:
SERPINB8-related disorder. Also called: SERPINB8-related condition.

Allele frequency attached by ClinVar (database versions not stated): ExAC 0.00005; gnomAD 0.00009; TOPMed 0.00012; gnomAD exomes 0.00013.
gnomAD v4.1: 205 of 1,610,782 alleles (0.013%); highest among the groups gnomAD compares: Middle Eastern, 0.017%; no homozygotes.

Submission:

PreventionGenetics, part of Exact Sciences
Classification: Likely benign for SERPINB8-related condition. Last evaluated: 2019-04-26. Review status: no assertion criteria provided. Collection method: clinical testing. Allele origin: germline.
Comment: This variant is classified as likely benign based on ACMG/AMP sequence variant interpretation guidelines (Richards et al. 2015 PMID: 25741868, with internal and published modifications).

NM_002640.4(SERPINB8):c.564C>T (p.Asn188=)

Gene: SERPINB8 (serpin family B member 8; plus strand). Cytogenetic location: 18q22.1.
Variant type: single nucleotide variant.
Coding change: c.564C>T on transcript NM_002640.4 (MANE Select); coding-DNA position 564, C replaced by T.
Protein change: p.Asn188=; no amino-acid change (asparagine 188 retained).
Molecular consequence: synonymous variant. On other transcripts: non-coding transcript variant (1), intron variant (1).
Genome position (GRCh38, 1-based): chr18:63,983,718, C>T. VCF-style: chr18-63983718-C-T. GRCh37 (hg19) VCF-style: chr18-61650952-C-T.
Other names: c.564C>T, p.Asn188= (NM_001031848.2, NM_001348367.2, NM_001348368.2 and 3 more transcripts); c.18C>T, p.Asn6= (NM_001276490.2); c.28-1375C>T (NM_001348370.2).
Identifiers: ClinVar variation 3046352 (VCV003046352.2), dbSNP rs375766835, ClinGen allele CA8990748.